The following is an entry in ClinVar:

ClinVar aggregate classification (germline): Likely benign (0 of 4 stars; one submission).

Conditions:
TTC14-related disorder. Also called: TTC14-related condition.

Allele frequency attached by ClinVar (database versions not stated): gnomAD exomes 0.00013; ExAC 0.00027; ESP Exome Variant Server 0.00069; gnomAD 0.00089; 1000 Genomes Project 0.00120; 1000 Genomes Project 30x 0.00125; TOPMed 0.00125.

Submission:

PreventionGenetics, part of Exact Sciences
Classification: Likely benign for TTC14-related condition. Last evaluated: 2019-11-12. Review status: no assertion criteria provided. Collection method: clinical testing. Allele origin: germline.
Comment: This variant is classified as likely benign based on ACMG/AMP sequence variant interpretation guidelines (Richards et al. 2015 PMID: 25741868, with internal and published modifications).

NM_133462.4(TTC14):c.1806C>T (p.Asn602=)

Gene: TTC14 (tetratricopeptide repeat domain 14; plus strand). Cytogenetic location: 3q26.33.
Variant type: single nucleotide variant.
Coding change: c.1806C>T on transcript NM_133462.4 (MANE Select); coding-DNA position 1806, C replaced by T.
Protein change: p.Asn602=; no amino-acid change (asparagine 602 retained).
Molecular consequence: synonymous variant. On other transcripts: 3 prime UTR variant (1), intron variant (1).
Genome position (GRCh38, 1-based): chr3:180,610,035, C>T. VCF-style: chr3-180610035-C-T. GRCh37 (hg19) VCF-style: chr3-180327823-C-T.
Other names: c.*2240C>T (NM_001042601.3); c.1774+32C>T (NM_001288582.2).
Identifiers: ClinVar variation 3046120 (VCV003046120.2), dbSNP rs138216657, ClinGen allele CA2715461.